The following is an entry in ClinVar:

NM_145290.4(ADGRA3):c.2573C>T (p.Ala858Val)

Gene: ADGRA3 (adhesion G protein-coupled receptor A3; minus strand). Cytogenetic location: 4p15.2.
Variant type: single nucleotide variant.
Coding change: c.2573C>T on transcript NM_145290.4 (MANE Select); coding-DNA position 2573, C replaced by T.
Protein change: p.Ala858Val; replaces alanine 858 with valine.
Molecular consequence: missense variant.
Genome position (GRCh38, 1-based): chr4:22,392,599, G>A on the plus strand (C>T on the coding strand, the complement: ADGRA3 is on the minus strand). VCF-style: chr4-22392599-G-A. GRCh37 (hg19) VCF-style: chr4-22394222-G-A.
Other names: c.2573C>T (NM_145290.2); short protein forms A858V.
Identifiers: ClinVar variation 998942 (VCV000998942.8), dbSNP rs145912220, ClinGen allele CA2873593.

ClinVar aggregate classification (germline): Uncertain significance. Review status: criteria provided, multiple submitters, no conflicts (2 of 4 stars). 2 submissions from 2 submitters: Uncertain significance (2). Last evaluated 2025-10-20.

Allele frequency attached by ClinVar (database versions not stated): ESP Exome Variant Server 0.00015; ExAC 0.00017; gnomAD 0.00018 and 0.00019; TOPMed 0.00018.
gnomAD v4.1: 401 of 1,613,728 alleles (0.025%); highest among the groups gnomAD compares: Non-Finnish European, 0.033%; no homozygotes.

Submissions (2):

Labcorp Genetics (formerly Invitae), Labcorp
Classification: Uncertain significance. Last evaluated: 2025-10-20. Review status: criteria provided, single submitter. Criteria: Invitae Variant Classification Sherloc (09022015). Collection method: clinical testing. Allele origin: germline.
Comment: This sequence change replaces alanine, which is neutral and non-polar, with valine, which is neutral and non-polar, at codon 858 of the ADGRA3 protein (p.Ala858Val). This variant is present in population databases (rs145912220, gnomAD 0.02%). This variant has not been reported in the literature in individuals affected with ADGRA3-related conditions. ClinVar contains an entry for this variant (Variation ID: 998942). An algorithm developed to predict the effect of missense changes on protein structure and function (PolyPhen-2) suggests that this variant is likely to be disruptive. In summary, the available evidence is currently insufficient to determine the role of this variant in disease. Therefore, it has been classified as a Variant of Uncertain Significance.

Ambry Genetics
Classification: Uncertain significance. Last evaluated: 2025-08-01. Review status: criteria provided, single submitter. Criteria: Ambry Variant Classification Scheme 2023. Collection method: clinical testing. Allele origin: germline.